The following is an entry in ClinVar:

ClinVar aggregate classification (germline): Uncertain significance (1 of 4 stars; one submission).

gnomAD v4.1: 194 of 1,613,536 alleles (0.012%); highest among the groups gnomAD compares: Non-Finnish European, 0.016%; no homozygotes.

Submission:

Labcorp Genetics (formerly Invitae), Labcorp
Classification: Uncertain significance. Last evaluated: 2024-02-14. Review status: criteria provided, single submitter. Criteria: Invitae Variant Classification Sherloc (09022015). Collection method: clinical testing. Allele origin: germline.
Comment: This sequence change replaces tyrosine, which is neutral and polar, with cysteine, which is neutral and slightly polar, at codon 602 of the BTRC protein (p.Tyr602Cys). This variant is present in population databases (rs781381945, gnomAD 0.009%). This variant has not been reported in the literature in individuals affected with BTRC-related conditions. An algorithm developed to predict the effect of missense changes on protein structure and function (PolyPhen-2) suggests that this variant is likely to be tolerated. In summary, the available evidence is currently insufficient to determine the role of this variant in disease. Therefore, it has been classified as a Variant of Uncertain Significance.

NM_033637.4(BTRC):c.1805A>G (p.Tyr602Cys)

Gene: BTRC (beta-transducin repeat containing E3 ubiquitin protein ligase; plus strand). Cytogenetic location: 10q24.32.
Variant type: single nucleotide variant.
Coding change: c.1805A>G on transcript NM_033637.4 (MANE Select); coding-DNA position 1805, A replaced by G.
Protein change: p.Tyr602Cys; replaces tyrosine 602 with cysteine.
Molecular consequence: missense variant.
Genome position (GRCh38, 1-based): chr10:101,550,847, A>G. VCF-style: chr10-101550847-A-G. GRCh37 (hg19) VCF-style: chr10-103310604-A-G.
Other names: c.1727A>G, p.Tyr576Cys (NM_001256856.2); c.1697A>G, p.Tyr566Cys (NM_003939.5); short protein forms Y576C, Y602C, Y566C.
Identifiers: ClinVar variation 3708921 (VCV003708921.2).